The following is an entry in ClinVar:

NM_170784.3(MKKS):c.849A>T (p.Leu283=)

Gene: MKKS (MKKS centrosomal shuttling protein; minus strand). Cytogenetic location: 20p12.2.
Variant type: single nucleotide variant.
Coding change: c.849A>T on transcript NM_170784.3 (MANE Select); coding-DNA position 849, A replaced by T.
Protein change: p.Leu283=; no amino-acid change (leucine 283 retained).
Molecular consequence: synonymous variant.
Genome position (GRCh38, 1-based): chr20:10,412,666, T>A on the plus strand (A>T on the coding strand, the complement: MKKS is on the minus strand). VCF-style: chr20-10412666-T-A. GRCh37 (hg19) VCF-style: chr20-10393314-T-A.
Other names: c.849A>T, p.Leu283= (NM_018848.3).
Identifiers: ClinVar variation 3347925 (VCV003347925.1).

ClinVar aggregate classification (germline): Likely benign (0 of 4 stars; one submission).

Conditions:
MKKS-related disorder. Also called: MKKS-related condition; MKKS-related disorders.

Submission:

PreventionGenetics, part of Exact Sciences
Classification: Likely benign for MKKS-related condition. Last evaluated: 2024-07-03. Review status: no assertion criteria provided. Collection method: clinical testing. Allele origin: germline.
Comment: This variant is classified as likely benign based on ACMG/AMP sequence variant interpretation guidelines (Richards et al. 2015 PMID: 25741868, with internal and published modifications).